The following is an entry in ClinVar:

ClinVar aggregate classification (germline): Uncertain significance (1 of 4 stars; one submission).

Allele frequency attached by ClinVar (database versions not stated): gnomAD 0.00001 and 0.00004; TOPMed 0.00005; 1000 Genomes Project 30x 0.00031; 1000 Genomes Project 0.00040.

Submission:

Labcorp Genetics (formerly Invitae), Labcorp
Classification: Uncertain significance. Last evaluated: 2024-11-05. Review status: criteria provided, single submitter. Criteria: Invitae Variant Classification Sherloc (09022015). Collection method: clinical testing. Allele origin: germline.
Comment: This sequence change replaces glutamic acid, which is acidic and polar, with glutamine, which is neutral and polar, at codon 292 of the CCDC8 protein (p.Glu292Gln). This variant is present in population databases (rs181007514, gnomAD 0.1%). This variant has not been reported in the literature in individuals affected with CCDC8-related conditions. ClinVar contains an entry for this variant (Variation ID: 1351410). An algorithm developed to predict the effect of missense changes on protein structure and function outputs the following: PolyPhen-2: "Benign". The glutamine amino acid residue is found in multiple mammalian species, which suggests that this missense change does not adversely affect protein function. In summary, the available evidence is currently insufficient to determine the role of this variant in disease. Therefore, it has been classified as a Variant of Uncertain Significance.

NM_032040.5(CCDC8):c.874G>C (p.Glu292Gln)

Gene: CCDC8 (coiled-coil domain containing 8; minus strand). Cytogenetic location: 19q13.32.
Variant type: single nucleotide variant.
Coding change: c.874G>C on transcript NM_032040.5 (MANE Select); coding-DNA position 874, G replaced by C.
Protein change: p.Glu292Gln; replaces glutamic acid 292 with glutamine.
Molecular consequence: missense variant.
Genome position (GRCh38, 1-based): chr19:46,411,937, C>G on the plus strand (G>C on the coding strand, the complement: CCDC8 is on the minus strand). VCF-style: chr19-46411937-C-G. GRCh37 (hg19) VCF-style: chr19-46915194-C-G.
Other names: short protein forms E292Q.
Identifiers: ClinVar variation 1351410 (VCV001351410.4), dbSNP rs181007514, ClinGen allele CA9528597.